The following is an entry in ClinVar:

ClinVar aggregate classification (germline): Uncertain significance (1 of 4 stars; one submission).

Conditions:
Primary ciliary dyskinesia. Also called: Ciliary dyskinesia. Identifiers: Orphanet 244, MedGen C0008780, MONDO:0016575, HP:0012265.

Allele frequency attached by ClinVar (database versions not stated): TOPMed below 0.00001; gnomAD exomes 0.00002.
gnomAD v4.1: 26 of 1,211,076 alleles (0.0021%); highest among the groups gnomAD compares: Non-Finnish European, 0.0029%; no homozygotes.

Submission:

Labcorp Genetics (formerly Invitae), Labcorp
Classification: Uncertain significance for Primary ciliary dyskinesia. Last evaluated: 2022-09-21. Review status: criteria provided, single submitter. Criteria: Invitae Variant Classification Sherloc (09022015). Collection method: clinical testing. Allele origin: germline.
Comment: In summary, the available evidence is currently insufficient to determine the role of this variant in disease. Therefore, it has been classified as a Variant of Uncertain Significance. Advanced modeling of protein sequence and biophysical properties (such as structural, functional, and spatial information, amino acid conservation, physicochemical variation, residue mobility, and thermodynamic stability) performed at Invitae indicates that this missense variant is not expected to disrupt RPGR (ORF15) protein function. This variant has not been reported in the literature in individuals affected with RPGR (ORF15)-related conditions. This variant is not present in population databases (gnomAD no frequency). This sequence change replaces glycine, which is neutral and non-polar, with arginine, which is basic and polar, at codon 650 of the RPGR (ORF15) protein (p.Gly650Arg).

NM_001034853.2(RPGR):c.1948G>A (p.Gly650Arg)

Gene: RPGR (retinitis pigmentosa GTPase regulator; minus strand). Cytogenetic location: Xp11.4.
Variant type: single nucleotide variant.
Coding change: c.1948G>A on transcript NM_001034853.2 (MANE Select); coding-DNA position 1948, G replaced by A.
Protein change: p.Gly650Arg; replaces glycine 650 with arginine.
Molecular consequence: missense variant. On other transcripts: intron variant (8).
Genome position (GRCh38, 1-based): chrX:38,287,051, C>T on the plus strand (G>A on the coding strand, the complement: RPGR is on the minus strand). VCF-style: chrX-38287051-C-T. GRCh37 (hg19) VCF-style: chrX-38146304-C-T.
Other names: c.1569+3908G>A (NM_001367249.1, NM_001367250.1); c.1902+43G>A (NM_001367245.1); c.1386+3908G>A (NM_001367251.1); c.1719+43G>A (NM_001367246.1); c.1572+3908G>A (NM_001367247.1); c.1905+43G>A (NM_000328.3); c.1602+3908G>A (NM_001367248.1); short protein forms G650R.
Identifiers: ClinVar variation 2161111 (VCV002161111.3), dbSNP rs2067198830, ClinGen allele CA412732061.